The following is an entry in ClinVar:

NM_002834.5(PTPN11):c.1648G>A (p.Ala550Thr)

Gene: PTPN11 (protein tyrosine phosphatase non-receptor type 11; plus strand). Cytogenetic location: 12q24.13.
Variant type: single nucleotide variant.
Coding change: c.1648G>A on transcript NM_002834.5 (MANE Select); coding-DNA position 1648, G replaced by A.
Protein change: p.Ala550Thr; replaces alanine 550 with threonine.
Molecular consequence: missense variant.
Genome position (GRCh38, 1-based): chr12:112,502,192, G>A. VCF-style: chr12-112502192-G-A. GRCh37 (hg19) VCF-style: chr12-112939996-G-A.
Other names: c.1660G>A, p.Ala554Thr (NM_001330437.2); c.1645G>A, p.Ala549Thr (NM_001374625.1); short protein forms A549T, A550T, A554T.
Identifiers: ClinVar variation 1804417 (VCV001804417.5), dbSNP rs1048909771, ClinGen allele CA243723338.
Genomic context (GRCh38, chr12:112,502,192, plus strand): 5'-TCCAAATTTCAGAAAAGCAAGAGGAAAGGGCACGAATATACAAATATTAAGTATTCTCTA[G>A]CGGACCAGACGAGTGGAGATCAGAGCCCTCTCCCGCCTTGTACTCCAACGCCACCCTGTG-3'
Protein context (NP_002825.3, residues 540-560): HEYTNIKYSL[Ala550Thr]DQTSGDQSPL

ClinVar aggregate classification (germline): Uncertain significance. Review status: criteria provided, multiple submitters, no conflicts (2 of 4 stars). 3 submissions from 3 submitters: Uncertain significance (3). Last evaluated 2024-10-07.

Conditions:
Juvenile myelomonocytic leukemia (JMML). Also called: LEUKEMIA, JUVENILE MYELOMONOCYTIC, SOMATIC. Identifiers: Orphanet 86834, MedGen C0349639, MONDO:0011908, OMIM 607785, HP:0012209.
LEOPARD syndrome 1 (LPRD1). Also called: LENTIGINOSIS, CARDIOMYOPATHIC; MULTIPLE LENTIGINES SYNDROME; PTPN11-Related LEOPARD Syndrome. Identifiers: Orphanet 500, MedGen C4551484, MONDO:0100082, OMIM 151100.
Metachondromatosis (METCDS). Identifiers: Orphanet 2499, MedGen C0410530, MONDO:0007979, OMIM 156250.
Noonan syndrome 1 (NS1). Also called: TURNER PHENOTYPE WITH NORMAL KARYOTYPE; FEMALE PSEUDO-TURNER SYNDROME; PTPN11-Related Noonan Syndrome. Identifiers: Orphanet 648, MedGen C4551602, MONDO:0008104, OMIM 163950. Disease mechanism: gain of function.
RASopathy. Also called: Noonan spectrum disorder; rasopathies. Identifiers: Orphanet 536391, MedGen C5555857, MONDO:0021060.

Allele frequency attached by ClinVar (database versions not stated): gnomAD 0.00001.
gnomAD v4.1: 1 of 1,613,788 alleles (0.000062%); highest among the groups gnomAD compares: Admixed American, 0.0017%; no homozygotes.

Submissions (3):

Labcorp Genetics (formerly Invitae), Labcorp
Classification: Uncertain significance for RASopathy. Last evaluated: 2024-10-07. Review status: criteria provided, single submitter. Criteria: Invitae Variant Classification Sherloc (09022015). Collection method: clinical testing. Allele origin: germline.
Comment: This sequence change replaces alanine, which is neutral and non-polar, with threonine, which is neutral and polar, at codon 550 of the PTPN11 protein (p.Ala550Thr). This variant is not present in population databases (gnomAD no frequency). This variant has not been reported in the literature in individuals affected with PTPN11-related conditions. ClinVar contains an entry for this variant (Variation ID: 1804417). Invitae Evidence Modeling of protein sequence and biophysical properties (such as structural, functional, and spatial information, amino acid conservation, physicochemical variation, residue mobility, and thermodynamic stability) indicates that this missense variant is not expected to disrupt PTPN11 protein function with a negative predictive value of 80%. In summary, the available evidence is currently insufficient to determine the role of this variant in disease. Therefore, it has been classified as a Variant of Uncertain Significance.

Fulgent Genetics
Classification: Uncertain significance for LEOPARD syndrome 1; Metachondromatosis; Noonan syndrome 1; Juvenile myelomonocytic leukemia. Last evaluated: 2024-03-04. Review status: criteria provided, single submitter. Criteria: ACMG Guidelines, 2015. Collection method: clinical testing. Allele origin: germline.

GeneDx
Classification: Uncertain significance. Last evaluated: 2022-12-16. Review status: criteria provided, single submitter. Criteria: GeneDx Variant Classification Process June 2021. Collection method: clinical testing. Allele origin: germline. Affected: yes.
Comment: Not observed in large population cohorts (gnomAD); Missense variants in this gene are often considered pathogenic (HGMD); In silico analysis supports that this missense variant does not alter protein structure/function; Has not been previously published as pathogenic or benign to our knowledge